The following is an entry in ClinVar:

ClinVar aggregate classification (germline): Uncertain significance. Review status: criteria provided, multiple submitters, no conflicts (2 of 4 stars). 2 submissions from 2 submitters: Uncertain significance (2). Last evaluated 2024-09-24.

Submissions (2):

Blueprint Genetics
Classification: Uncertain significance. Last evaluated: 2024-09-24. Review status: criteria provided, single submitter. Criteria: ACMG Guidelines, 2015. Collection method: clinical testing. Allele origin: germline.

GeneDx
Classification: Uncertain significance. Last evaluated: 2023-06-12. Review status: criteria provided, single submitter. Criteria: GeneDx Variant Classification Process June 2021. Collection method: clinical testing. Allele origin: germline. Affected: yes.
Comment: Not observed at significant frequency in large population cohorts (gnomAD); In silico analysis supports that this missense variant has a deleterious effect on protein structure/function; Occurs in the triple helical domain at the X position in the canonical Gly-X-Y repeat; although this variant may have an effect on normal protein folding and function, missense substitution at the X position is not a common mechanism of disease

NM_033380.3(COL4A5):c.2552C>T (p.Pro851Leu)

Gene: COL4A5 (collagen type IV alpha 5 chain; plus strand). Cytogenetic location: Xq22.3.
Variant type: single nucleotide variant.
Coding change: c.2552C>T on transcript NM_033380.3 (MANE Select); coding-DNA position 2552, C replaced by T.
Protein change: p.Pro851Leu; replaces proline 851 with leucine.
Molecular consequence: missense variant.
Genome position (GRCh38, 1-based): chrX:108,620,301, C>T. VCF-style: chrX-108620301-C-T. GRCh37 (hg19) VCF-style: chrX-107863531-C-T.
Other names: c.2552C>T, p.Pro851Leu (NM_000495.5); short protein forms P851L.
Identifiers: ClinVar variation 3359602 (VCV003359602.2).